The following is an entry in ClinVar:

ClinVar aggregate classification (germline): Conflicting classifications of pathogenicity. Review status: criteria provided, conflicting classifications (1 of 4 stars). 7 submissions from 7 submitters: Uncertain significance (1); Benign (1); Likely benign (5). Last evaluated 2026-05-01.

Conditions:
Neutral lipid storage myopathy (NLSDM). Also called: NEUTRAL LIPID STORAGE DISEASE WITHOUT ICHTHYOSIS. Identifiers: Orphanet 98908, MedGen C1853136, MONDO:0012545, OMIM 610717.

Allele frequency attached by ClinVar (database versions not stated): TOPMed 0.00029; 1000 Genomes Project 30x 0.00047; 1000 Genomes Project 0.00060.
gnomAD v4.1: 945 of 1,542,588 alleles (0.061%); highest among the groups gnomAD compares: South Asian, 0.64%; 12 homozygotes.

Submissions (7):

CeGaT Center for Human Genetics Tuebingen
Classification: Likely benign. Last evaluated: 2026-05-01. Review status: criteria provided, single submitter. Criteria: CeGaT Center For Human Genetics Tuebingen Variant Classification Criteria Version 2. Collection method: clinical testing. Allele origin: germline. Affected: yes. Observed: 5 variant alleles.
Comment: PNPLA2: BS2

Labcorp Genetics (formerly Invitae), Labcorp
Classification: Benign for Neutral lipid storage myopathy. Last evaluated: 2026-01-27. Review status: criteria provided, single submitter. Criteria: Invitae Variant Classification Sherloc (09022015). Collection method: clinical testing. Allele origin: germline.

Mayo Clinic Laboratories, Mayo Clinic
Classification: Uncertain significance. Last evaluated: 2021-12-14. Review status: criteria provided, single submitter. Criteria: ACMG Guidelines, 2015. Collection method: clinical testing. Allele origin: germline.

Genomic Research Center, Shahid Beheshti University of Medical Sciences
Classification: Likely benign. Last evaluated: 2018-08-07. Review status: criteria provided, single submitter. Criteria: ACMG Guidelines, 2015. Collection method: clinical testing. Allele origin: inherited. Affected: yes. Observed: 1 variant allele.

Illumina Laboratory Services, Illumina
Classification: Likely benign for Neutral lipid storage myopathy. Last evaluated: 2017-04-28. Review status: criteria provided, single submitter. Criteria: ICSL Variant Classification Criteria 13 December 2019. Collection method: clinical testing. Allele origin: germline.
Comment: This variant was observed as part of a predisposition screen in an ostensibly healthy population. A literature search was performed for the gene, cDNA change, and amino acid change (where applicable). No publications were found based on this search. Allele frequency data from public databases allowed determination this variant is unlikely to cause disease. Therefore, this variant is classified as likely benign.

Breakthrough Genomics
Classification: Likely benign. Review status: criteria provided, single submitter. Criteria: ACMG Guidelines, 2015. Collection method: not provided. Allele origin: germline. Inheritance: Autosomal recessive inheritance. Affected: yes.

PreventionGenetics, part of Exact Sciences
Classification: Likely benign. Review status: criteria provided, single submitter. Criteria: ACMG Guidelines, 2015. Collection method: clinical testing. Allele origin: germline.

NM_020376.4(PNPLA2):c.1430C>T (p.Pro477Leu)

Gene: PNPLA2 (patatin like domain 2, triacylglycerol lipase; plus strand). Cytogenetic location: 11p15.5.
Variant type: single nucleotide variant.
Coding change: c.1430C>T on transcript NM_020376.4 (MANE Select); coding-DNA position 1430, C replaced by T.
Protein change: p.Pro477Leu; replaces proline 477 with leucine.
Molecular consequence: missense variant.
Genome position (GRCh38, 1-based): chr11:824,777, C>T. VCF-style: chr11-824777-C-T. GRCh37 (hg19) VCF-style: chr11-824777-C-T.
Other names: p.Pro477Leu; short protein forms P477L.
Identifiers: ClinVar variation 261235 (VCV000261235.63), dbSNP rs142588621, ClinGen allele CA5791408.